The following is an entry in ClinVar:

NM_206933.4(USH2A):c.10202T>C (p.Ile3401Thr)

Gene: USH2A (usherin; minus strand). Cytogenetic location: 1q41.
Variant type: single nucleotide variant.
Coding change: c.10202T>C on transcript NM_206933.4 (MANE Select); coding-DNA position 10202, T replaced by C.
Protein change: p.Ile3401Thr; replaces isoleucine 3401 with threonine.
Molecular consequence: missense variant.
Genome position (GRCh38, 1-based): chr1:215,786,855, A>G on the plus strand (T>C on the coding strand, the complement: USH2A is on the minus strand). VCF-style: chr1-215786855-A-G. GRCh37 (hg19) VCF-style: chr1-215960197-A-G.
Other names: short protein forms I3401T.
Identifiers: ClinVar variation 3893587 (VCV003893587.1).

ClinVar aggregate classification (germline): Uncertain significance (1 of 4 stars; one submission).

gnomAD v4.1: 3 of 1,613,876 alleles (0.00019%); highest among the groups gnomAD compares: Admixed American, 0.005%; no homozygotes.

Submission:

GeneDx
Classification: Uncertain significance. Last evaluated: 2024-10-28. Review status: criteria provided, single submitter. Criteria: GeneDx Variant Classification Process June 2021. Collection method: clinical testing. Allele origin: germline. Affected: yes.
Comment: In silico analysis indicates that this missense variant does not alter protein structure/function; Has not been previously published as pathogenic or benign to our knowledge